The following is an entry in ClinVar:

ClinVar aggregate classification (germline): Conflicting classifications of pathogenicity. Review status: criteria provided, conflicting classifications (1 of 4 stars). 11 submissions from 10 submitters: Uncertain significance (2); Benign (3); Likely benign (6). Last evaluated 2026-09-01.

Conditions:
Cardiovascular phenotype. Identifiers: MedGen CN230736.
Cardiomyopathy (CMYO). Also called: Cardiomyopathies. Identifiers: Orphanet 167848, MedGen C0878544, MONDO:0004994, HP:0001638. Inheritance: Various modes of inheritance.
Dilated cardiomyopathy 1Y (CMD1Y). Identifiers: Orphanet 154, Orphanet 54260, MedGen C2678476, MONDO:0012744, OMIM 611878.
Hypertrophic cardiomyopathy 3. Also called: TPM1-Related Familial Hypertrophic Cardiomyopathy. Identifiers: MedGen C1861863, MONDO:0007267, OMIM 115196.
Hypertrophic cardiomyopathy. Also called: HYPERTROPHIC MYOCARDIOPATHY. Identifiers: Orphanet 217569, MedGen C0007194, MeSH D002312, MONDO:0005045, HP:0001639.

Allele frequency attached by ClinVar (database versions not stated): ExAC 0.00007; gnomAD exomes 0.00010; 1000 Genomes Project 0.00040; TOPMed 0.00008; 1000 Genomes Project 30x 0.00062; ESP Exome Variant Server 0.00008.
gnomAD v4.1: 119 of 1,614,126 alleles (0.0074%); highest among the groups gnomAD compares: East Asian, 0.02%; no homozygotes.

Submissions (11):

CeGaT Center for Human Genetics Tuebingen
Classification: Likely benign. Last evaluated: 2026-09-01. Review status: criteria provided, single submitter. Criteria: CeGaT Center For Human Genetics Tuebingen Variant Classification Criteria Version 2. Collection method: clinical testing. Allele origin: germline. Affected: yes. Observed: 3 variant alleles.
Comment: TPM1: BP4, BP7

Labcorp Genetics (formerly Invitae), Labcorp
Classification: Likely benign for Hypertrophic cardiomyopathy. Last evaluated: 2025-12-14. Review status: criteria provided, single submitter. Criteria: Invitae Variant Classification Sherloc (09022015). Collection method: clinical testing. Allele origin: germline.

Women's Health and Genetics/Laboratory Corporation of America, LabCorp
Classification: Benign. Last evaluated: 2025-05-18. Review status: criteria provided, single submitter. Criteria: LabCorp Variant Classification Summary - May 2015. Collection method: clinical testing. Allele origin: germline.

Blueprint Genetics
Classification: Likely benign. Last evaluated: 2024-09-24. Review status: criteria provided, single submitter. Criteria: ACMG Guidelines, 2015. Collection method: clinical testing. Allele origin: germline.

Ambry Genetics
Classification: Likely benign for Cardiovascular phenotype. Last evaluated: 2019-11-21. Review status: criteria provided, single submitter. Criteria: Ambry Variant Classification Scheme 2023. Collection method: clinical testing. Allele origin: germline.

CHEO Genetics Diagnostic Laboratory, Children's Hospital of Eastern Ontario
Classification: Benign for Cardiomyopathy. Last evaluated: 2018-08-03. Review status: criteria provided, single submitter. Criteria: ACMG Guidelines, 2015. Collection method: clinical testing. Allele origin: germline.

Color Diagnostics, LLC DBA Color Health
Classification: Likely benign for Cardiomyopathy. Last evaluated: 2018-07-09. Review status: criteria provided, single submitter. Criteria: ACMG Guidelines, 2015. Collection method: clinical testing. Allele origin: germline.

Illumina Laboratory Services, Illumina
Classification: Uncertain significance for Dilated cardiomyopathy 1Y. Last evaluated: 2018-01-13. Review status: criteria provided, single submitter. Criteria: ICSL Variant Classification Criteria 13 December 2019. Collection method: clinical testing. Allele origin: germline.

Illumina Laboratory Services, Illumina
Classification: Uncertain significance for Hypertrophic cardiomyopathy 3. Last evaluated: 2018-01-13. Review status: criteria provided, single submitter. Criteria: ICSL Variant Classification Criteria 13 December 2019. Collection method: clinical testing. Allele origin: germline.

GeneDx
Classification: Benign. Last evaluated: 2015-03-03. Review status: criteria provided, single submitter. Criteria: GeneDx Variant Classification Process June 2021. Collection method: clinical testing. Allele origin: germline. Affected: yes.

Laboratory for Molecular Medicine, Mass General Brigham Personalized Medicine
Classification: Likely benign. Last evaluated: 2007-08-29. Review status: criteria provided, single submitter. Criteria: LMM Criteria. Collection method: clinical testing. Allele origin: germline. Observed: 4 variant alleles.

NM_001018005.2(TPM1):c.522C>T (p.Ser174=)

Gene: TPM1 (tropomyosin 1; plus strand). Cytogenetic location: 15q22.2.
Variant type: single nucleotide variant.
Coding change: c.522C>T on transcript NM_001018005.2 (MANE Select); coding-DNA position 522, C replaced by T.
Protein change: p.Ser174=; no amino-acid change (serine 174 retained).
Molecular consequence: synonymous variant.
Genome position (GRCh38, 1-based): chr15:63,060,898, C>T. VCF-style: chr15-63060898-C-T. GRCh37 (hg19) VCF-style: chr15-63353097-C-T.
Other names: c.522C>T, p.Ser174= (NM_000366.6, NM_001018004.2, NM_001018006.2 and 6 more transcripts); c.414C>T, p.Ser138= (NM_001018008.2, NM_001301289.2, NM_001330344.2 and 5 more transcripts); c.648C>T, p.Ser216= (NM_001365778.1).
Identifiers: ClinVar variation 43422 (VCV000043422.54), dbSNP rs200173919, ClinGen allele CA018100.